The following is an entry in ClinVar:

ClinVar aggregate classification (germline): Uncertain significance (1 of 4 stars; one submission).

Conditions:
Hereditary cancer-predisposing syndrome. Also called: Neoplastic Syndromes, Hereditary; Tumor predisposition; Hereditary neoplastic syndrome; Hereditary Cancer Syndrome. Identifiers: Orphanet 140162, MedGen C0027672, MeSH D009386, MONDO:0015356.

Submission:

Ambry Genetics
Classification: Uncertain significance for Hereditary cancer-predisposing syndrome. Last evaluated: 2022-11-07. Review status: criteria provided, single submitter. Criteria: Ambry Variant Classification Scheme 2023. Collection method: clinical testing. Allele origin: germline.
Comment: The p.K567Q variant (also known as c.1699A>C), located in coding exon 11 of the BRIP1 gene, results from an A to C substitution at nucleotide position 1699. The lysine at codon 567 is replaced by glutamine, an amino acid with similar properties. This amino acid position is conserved. In addition, this alteration is predicted to be tolerated by in silico analysis. Since supporting evidence is limited at this time, the clinical significance of this alteration remains unclear.

NM_032043.3(BRIP1):c.1699A>C (p.Lys567Gln)

Gene: BRIP1 (BRCA1 interacting DNA helicase 1; minus strand). Cytogenetic location: 17q23.2.
Variant type: single nucleotide variant.
Coding change: c.1699A>C on transcript NM_032043.3 (MANE Select); coding-DNA position 1699, A replaced by C.
Protein change: p.Lys567Gln; replaces lysine 567 with glutamine.
Molecular consequence: missense variant.
Genome position (GRCh38, 1-based): chr17:61,780,935, T>G on the plus strand (A>C on the coding strand, the complement: BRIP1 is on the minus strand). VCF-style: chr17-61780935-T-G. GRCh37 (hg19) VCF-style: chr17-59858296-T-G.
Other names: short protein forms K567Q.
Identifiers: ClinVar variation 2449914 (VCV002449914.2), dbSNP rs2145094630, ClinGen allele CA400480438.